The following is an entry in ClinVar:

ClinVar aggregate classification (germline): Uncertain significance (1 of 4 stars; one submission).

Conditions:
Peroxisome biogenesis disorder 7A (Zellweger). Also called: Peroxisome biogenesis disorder 7A. Identifiers: Orphanet 912, MedGen C3888385, MONDO:0013938, OMIM 614872.
Peroxisome biogenesis disorder 7B (PBD7B). Identifiers: Orphanet 44, MedGen C3553951, MONDO:0013939, OMIM 614873.

Allele frequency attached by ClinVar (database versions not stated): ExAC 0.00001.
gnomAD v4.1: 4 of 1,614,122 alleles (0.00025%); highest among the groups gnomAD compares: Admixed American, 0.0033%; no homozygotes.

Submission:

Labcorp Genetics (formerly Invitae), Labcorp
Classification: Uncertain significance for Peroxisome biogenesis disorder 7A (Zellweger); Peroxisome biogenesis disorder 7B. Last evaluated: 2024-05-09. Review status: criteria provided, single submitter. Criteria: Invitae Variant Classification Sherloc (09022015). Collection method: clinical testing. Allele origin: germline.
Comment: This sequence change replaces alanine, which is neutral and non-polar, with threonine, which is neutral and polar, at codon 158 of the PEX26 protein (p.Ala158Thr). This variant is present in population databases (rs752147316, gnomAD 0.009%). This variant has not been reported in the literature in individuals affected with PEX26-related conditions. Advanced modeling of protein sequence and biophysical properties (such as structural, functional, and spatial information, amino acid conservation, physicochemical variation, residue mobility, and thermodynamic stability) performed at Invitae indicates that this missense variant is not expected to disrupt PEX26 protein function with a negative predictive value of 80%. In summary, the available evidence is currently insufficient to determine the role of this variant in disease. Therefore, it has been classified as a Variant of Uncertain Significance.

NM_001127649.3(PEX26):c.472G>A (p.Ala158Thr)

Gene: PEX26 (peroxisomal biogenesis factor 26; plus strand). Cytogenetic location: 22q11.21.
Variant type: single nucleotide variant.
Coding change: c.472G>A on transcript NM_001127649.3 (MANE Select); coding-DNA position 472, G replaced by A.
Protein change: p.Ala158Thr; replaces alanine 158 with threonine.
Molecular consequence: missense variant.
Genome position (GRCh38, 1-based): chr22:18,083,537, G>A. VCF-style: chr22-18083537-G-A. GRCh37 (hg19) VCF-style: chr22-18566303-G-A.
Other names: c.472G>A, p.Ala158Thr (NM_001199319.2, NM_017929.6); short protein forms A158T.
Identifiers: ClinVar variation 2929178 (VCV002929178.2), dbSNP rs752147316, ClinGen allele CA10093331.